The following is an entry in ClinVar:

NM_002354.3(EPCAM):c.20T>G (p.Leu7Arg)

Gene: EPCAM (epithelial cell adhesion molecule; plus strand). Cytogenetic location: 2p21.
Variant type: single nucleotide variant.
Coding change: c.20T>G on transcript NM_002354.3 (MANE Select); coding-DNA position 20, T replaced by G.
Protein change: p.Leu7Arg; replaces leucine 7 with arginine.
Molecular consequence: missense variant.
Genome position (GRCh38, 1-based): chr2:47,369,525, T>G. VCF-style: chr2-47369525-T-G. GRCh37 (hg19) VCF-style: chr2-47596664-T-G.
Other names: short protein forms L7R.
Identifiers: ClinVar variation 4870524 (VCV004870524.1).
Genomic context (GRCh38, chr2:47,369,525, plus strand): 5'-CCGGGCCCCTCCCGCGCCCCTCTTCTCGGCGCGCGCGCAGCATGGCGCCCCCGCAGGTCC[T>G]CGCGTTCGGGCTTCTGCTTGCCGCGGCGACGGCGACTTTTGCCGCAGCTCAGGAAGGTGA-3'
Protein context (NP_002345.2, residues 1-17): MAPPQV[Leu7Arg]AFGLLLAAAT

ClinVar aggregate classification (germline): Uncertain significance (1 of 4 stars; one submission).

Conditions:
Hereditary cancer-predisposing syndrome. Also called: Neoplastic Syndromes, Hereditary; Tumor predisposition; Hereditary Cancer Syndrome; Hereditary neoplastic syndrome. Identifiers: Orphanet 140162, MedGen C0027672, MeSH D009386, MONDO:0015356.

Submission:

Ambry Genetics
Classification: Uncertain significance for Hereditary cancer-predisposing syndrome. Last evaluated: 2026-05-24. Review status: criteria provided, single submitter. Criteria: Ambry Variant Classification Scheme 2023. Collection method: clinical testing. Allele origin: germline.
Comment: The p.L7R variant (also known as c.20T>G), located in coding exon 1 of the EPCAM gene, results from a T to G substitution at nucleotide position 20. The leucine at codon 7 is replaced by arginine, an amino acid with dissimilar properties. This amino acid position is conserved. In addition, the in silico prediction for this alteration is inconclusive. Based on the available evidence, the clinical significance of this variant remains unclear.